The following is an entry in ClinVar:

NM_002085.5(GPX4):c.167T>C (p.Leu56Pro)

Gene: GPX4 (glutathione peroxidase 4; plus strand). Cytogenetic location: 19p13.3.
Variant type: single nucleotide variant.
Coding change: c.167T>C on transcript NM_002085.5 (MANE Select); coding-DNA position 167, T replaced by C.
Protein change: p.Leu56Pro; replaces leucine 56 with proline.
Molecular consequence: missense variant.
Genome position (GRCh38, 1-based): chr19:1,105,268, T>C. VCF-style: chr19-1105268-T-C. GRCh37 (hg19) VCF-style: chr19-1105267-T-C.
Other names: c.167T>C, p.Leu56Pro (NM_001039847.3); c.278T>C, p.Leu93Pro (NM_001039848.4); c.86T>C, p.Leu29Pro (NM_001367832.1); c.278T>C (NM_001039848.3); short protein forms L29P, L56P, L93P.
Identifiers: ClinVar variation 1501500 (VCV001501500.6), dbSNP rs2145166645, ClinGen allele CA402936321.
Genomic context (GRCh38, chr19:1,105,268, plus strand): 5'-GCTGTGCGCGCTCCATGCACGAGTTTTCCGCCAAGGACATCGACGGGCACATGGTTAACC[T>C]GGACAAGTACCGGTGGGCGCTCGCCTGGGGTGGGGCGCGGGGTCGGGCCCTGGGAGGGGG-3'
Protein context (NP_002076.2, residues 46-66): AKDIDGHMVN[Leu56Pro]DKYRGFVCIV

ClinVar aggregate classification (germline): Uncertain significance. Review status: criteria provided, multiple submitters, no conflicts (2 of 4 stars). 2 submissions from 2 submitters: Uncertain significance (2). Last evaluated 2023-01-02.

Conditions:
GPX4-related disorder. Also called: GPX4-related condition.

Submissions (2):

PreventionGenetics, part of Exact Sciences
Classification: Uncertain significance for GPX4-related condition. Last evaluated: 2023-01-02. Review status: criteria provided, single submitter. Criteria: ACMG Guidelines, 2015. Collection method: clinical testing. Allele origin: germline.
Comment: The GPX4 c.278T>C variant is predicted to result in the amino acid substitution p.Leu93Pro. To our knowledge, this variant has not been reported in the literature or in a large population database, indicating this variant is rare. At this time, the clinical significance of this variant is uncertain due to the absence of conclusive functional and genetic evidence.

Labcorp Genetics (formerly Invitae), Labcorp
Classification: Uncertain significance. Last evaluated: 2021-11-04. Review status: criteria provided, single submitter. Criteria: Invitae Variant Classification Sherloc (09022015). Collection method: clinical testing. Allele origin: germline.
Comment: This sequence change replaces leucine, which is neutral and non-polar, with proline, which is neutral and non-polar, at codon 93 of the GPX4 protein (p.Leu93Pro). In summary, the available evidence is currently insufficient to determine the role of this variant in disease. Therefore, it has been classified as a Variant of Uncertain Significance. Algorithms developed to predict the effect of missense changes on protein structure and function are either unavailable or do not agree on the potential impact of this missense change (SIFT: "Deleterious"; PolyPhen-2: "Not Available"; Align-GVGD: "Class C0"). This variant has not been reported in the literature in individuals affected with GPX4-related conditions. This variant is not present in population databases (gnomAD no frequency).